The following is an entry in ClinVar:

NM_032119.4(ADGRV1):c.13475C>T (p.Thr4492Ile)

Gene: ADGRV1 (adhesion G protein-coupled receptor V1; plus strand). Cytogenetic location: 5q14.3.
Variant type: single nucleotide variant.
Coding change: c.13475C>T on transcript NM_032119.4 (MANE Select); coding-DNA position 13475, C replaced by T.
Protein change: p.Thr4492Ile; replaces threonine 4492 with isoleucine.
Molecular consequence: missense variant. On other transcripts: non-coding transcript variant (1).
Genome position (GRCh38, 1-based): chr5:90,783,879, C>T. VCF-style: chr5-90783879-C-T. GRCh37 (hg19) VCF-style: chr5-90079696-C-T.
Other names: short protein forms T4492I.
Identifiers: ClinVar variation 2979253 (VCV002979253.3), dbSNP rs2531937056, ClinGen allele CA360394760.
Genomic context (GRCh38, chr5:90,783,879, plus strand): 5'-GCTCCTTCTTGCCATGCAGTGAATTTGAGGAGCCCATTGAAATTCTACTCACTGGAGCTA[C>T]TGGAGGAGCGGTCCTTGGGCGCCACCTAGTGAGCAGAATCATAATAGCTAAGAGTGACTC-3'
Protein context (NP_115495.3, residues 4482-4502): EPIEILLTGA[Thr4492Ile]GGAVLGRHLV

ClinVar aggregate classification (germline): Uncertain significance (1 of 4 stars; one submission).

Submission:

Labcorp Genetics (formerly Invitae), Labcorp
Classification: Uncertain significance. Last evaluated: 2023-10-22. Review status: criteria provided, single submitter. Criteria: Invitae Variant Classification Sherloc (09022015). Collection method: clinical testing. Allele origin: germline.
Comment: This sequence change replaces threonine, which is neutral and polar, with isoleucine, which is neutral and non-polar, at codon 4492 of the ADGRV1 protein (p.Thr4492Ile). This variant is not present in population databases (gnomAD no frequency). This variant has not been reported in the literature in individuals affected with ADGRV1-related conditions. Advanced modeling of protein sequence and biophysical properties (such as structural, functional, and spatial information, amino acid conservation, physicochemical variation, residue mobility, and thermodynamic stability) performed at Invitae indicates that this missense variant is not expected to disrupt ADGRV1 protein function. In summary, the available evidence is currently insufficient to determine the role of this variant in disease. Therefore, it has been classified as a Variant of Uncertain Significance.